The following is an entry in ClinVar:

NM_000342.4(SLC4A1):c.510G>A (p.Leu170=)

Gene: SLC4A1 (solute carrier family 4 member 1 (Diego blood group); minus strand). Cytogenetic location: 17q21.31.
Variant type: single nucleotide variant.
Coding change: c.510G>A on transcript NM_000342.4 (MANE Select); coding-DNA position 510, G replaced by A.
Protein change: p.Leu170=; no amino-acid change (leucine 170 retained).
Molecular consequence: synonymous variant.
Genome position (GRCh38, 1-based): chr17:44,259,908, C>T on the plus strand (G>A on the coding strand, the complement: SLC4A1 is on the minus strand). VCF-style: chr17-44259908-C-T. GRCh37 (hg19) VCF-style: chr17-42337276-C-T.
Identifiers: ClinVar variation 754324 (VCV000754324.5), dbSNP rs770649533, ClinGen allele CA8600570.

ClinVar aggregate classification (germline): Likely benign. Review status: criteria provided, single submitter (1 of 4 stars). 2 submissions from 2 submitters: Likely benign (1). 1 of the submissions does not count toward it. Last evaluated 2018-07-30.

Conditions:
SLC4A1-related disorder. Also called: SLC4A1-related condition; SLC4A1-related disorders.

Allele frequency attached by ClinVar (database versions not stated): gnomAD 0.00001 and 0.00002; TOPMed 0.00001; ExAC 0.00002; gnomAD exomes 0.00002 and 0.00003.
gnomAD v4.1: 33 of 1,613,920 alleles (0.002%); highest among the groups gnomAD compares: Non-Finnish European, 0.0028%; no homozygotes.

Submissions (2):

Labcorp Genetics (formerly Invitae), Labcorp
Classification: Likely benign. Last evaluated: 2018-07-30. Review status: criteria provided, single submitter. Criteria: Invitae Variant Classification Sherloc (09022015). Collection method: clinical testing. Allele origin: germline.

PreventionGenetics, part of Exact Sciences
Classification: Likely benign for SLC4A1-related condition. Last evaluated: 2019-06-12. Review status: no assertion criteria provided. Collection method: clinical testing. Allele origin: germline. Not counted in ClinVar's aggregate classification.
Comment: This variant is classified as likely benign based on ACMG/AMP sequence variant interpretation guidelines (Richards et al. 2015 PMID: 25741868, with internal and published modifications).